The following is an entry in ClinVar:

NM_001009944.3(PKD1):c.6223C>T (p.Arg2075Cys)

Gene: PKD1 (polycystin 1, transient receptor potential channel interacting; minus strand). Cytogenetic location: 16p13.3.
Variant type: single nucleotide variant.
Coding change: c.6223C>T on transcript NM_001009944.3 (MANE Select); coding-DNA position 6223, C replaced by T.
Protein change: p.Arg2075Cys; replaces arginine 2075 with cysteine.
Molecular consequence: missense variant.
Genome position (GRCh38, 1-based): chr16:2,108,944, G>A on the plus strand (C>T on the coding strand, the complement: PKD1 is on the minus strand). VCF-style: chr16-2108944-G-A. GRCh37 (hg19) VCF-style: chr16-2158945-G-A.
Other names: c.6223C>T, p.Arg2075Cys (NM_000296.4); short protein forms R2075C.
Identifiers: ClinVar variation 4982779 (VCV004982779.2).

ClinVar aggregate classification (germline): Uncertain significance. Review status: criteria provided, multiple submitters, no conflicts (2 of 4 stars). 2 submissions from 2 submitters: Uncertain significance (2). Last evaluated 2026-07-01.

Conditions:
Polycystic kidney disease, adult type (PKD1). Also called: POLYCYSTIC KIDNEY DISEASE, ADULT, TYPE I; Polycystic Kidney Disease 1, Autosomal Dominant; Polycystic kidney disease 1; Polycystic kidney disease 1, severe; Polycystic Kidney, Autosomal Dominant; POLYCYSTIC KIDNEY DISEASE 1 WITH OR WITHOUT POLYCYSTIC LIVER DISEASE. Identifiers: MedGen C3149841, MONDO:0008263, OMIM 173900.
PKD1-related disorder. Also called: PKD1-related condition.

gnomAD v4.1: 84 of 1,605,868 alleles (0.0052%); highest among the groups gnomAD compares: East Asian, 0.025%; no homozygotes.

Submissions (2):

PreventionGenetics, part of Exact Sciences
Classification: Uncertain significance for PKD1-related condition. Last evaluated: 2026-07-01. Review status: criteria provided, single submitter. Criteria: ACMG Guidelines, 2015. Collection method: clinical testing. Allele origin: germline.
Comment: The PKD1 c.6223C>T variant is predicted to result in the amino acid substitution p.Arg2075Cys. This variant has been reported in an individual with polycystic kidney disease (Table S2, Kurashige et al. 2015. PubMed ID: 24611717), in an individual with biliary atresia who also carried another PKD1 variant (Lam et al. 2021. PubMed ID: 34455394), and in an individual with Bardet-Biedl syndrome and end-stage renal disease (Zhong et al. 2023. PubMed ID: 37003573). This variant is reported in 0.032% of alleles in individuals of East Asian descent in gnomAD. At this time, the clinical significance of this variant is uncertain due to the absence of conclusive functional and genetic evidence.

Juno Genomics, Hangzhou Juno Genomics, Inc
Classification: Uncertain significance for Polycystic kidney disease, adult type. Review status: criteria provided, single submitter. Criteria: ACMG Guidelines, 2015. Collection method: clinical testing. Allele origin: germline.
Comment: Absent from controls (or at extremely low frequency if recessive) in Genome Aggregation Database.;Multiple lines of computational evidence support a deleterious effect on the gene or gene product.